The following is an entry in ClinVar:

NC_000002.11:g.(?_44508506)_(44541110_?)del

Gene: SLC3A1 (solute carrier family 3 member 1; plus strand). Cytogenetic location: 2p21.
Variant type: Deletion.
Identifiers: ClinVar variation 1066532 (VCV001066532.3).

ClinVar aggregate classification (germline): Pathogenic (1 of 4 stars; one submission).

Conditions:
Cystinuria (CSNU). Also called: Cystinuria, non-type I; CYSTINURIA, TYPE I; CYSTINURIA, TYPE II; CYSTINURIA, TYPE III. Identifiers: Orphanet 214, MedGen C0010691, MONDO:0009067, OMIM 220100, HP:0003131.

Submission:

Labcorp Genetics (formerly Invitae), Labcorp
Classification: Pathogenic for Cystinuria. Last evaluated: 2023-09-27. Review status: criteria provided, single submitter. Criteria: Invitae Variant Classification Sherloc (09022015). Collection method: clinical testing. Allele origin: germline.
Comment: This variant is a gross deletion of the genomic region encompassing exon(s) 3-9 of the SLC3A1 gene. While this deletion is not anticipated to lead to nonsense mediated decay, it is expected to disrupt the C-terminus of the protein. This variant has not been reported in the literature in individuals affected with SLC3A1-related conditions. This variant disrupts a region of the SLC3A1 protein in which other variant(s) (p.Pro213Arg) have been determined to be pathogenic (Invitae). This suggests that this is a clinically significant region of the protein, and that variants that disrupt it are likely to be disease-causing. For these reasons, this variant has been classified as Pathogenic.